The following is an entry in ClinVar:

ClinVar aggregate classification (germline): Likely pathogenic (1 of 4 stars; one submission).

Conditions:
Mowat-Wilson syndrome (MOWS). Also called: Classic Mowat-Wilson Syndrome. Identifiers: Orphanet 2152, MedGen C1856113, MONDO:0009341, OMIM 235730.

Submission:

Juno Genomics, Hangzhou Juno Genomics, Inc
Classification: Likely pathogenic for Mowat-Wilson syndrome. Review status: criteria provided, single submitter. Criteria: ACMG Guidelines, 2015. Collection method: clinical testing. Allele origin: germline. Affected: yes.
Comment: Absent from controls (or at extremely low frequency if recessive) in Genome Aggregation Database, Exome Sequencing Project, 1000 Genomes Project, or Exome Aggregation Consortium.;Null variant in a gene where loss of function (LOF) is a known mechanism of disease.;De novo (both maternity and paternity confirmed) in a patient with the disease and no family history.;Patient's phenotype or family history is highly specific for a disease with a single genetic etiology.

NM_014795.4(ZEB2):c.3515del (p.Met1172fs)

Gene: ZEB2 (zinc finger E-box binding homeobox 2; minus strand). Cytogenetic location: 2q22.3.
Variant type: Deletion.
Coding change: c.3515del on transcript NM_014795.4 (MANE Select); coding-DNA position 3515, one base deleted (T; older notation c.3515delT).
Protein change: p.Met1172fs; shifts the reading frame from methionine 1172.
Molecular consequence: frameshift variant.
Genome position (GRCh38, 1-based): chr2:144,389,581, A deleted on the plus strand (T on the coding strand, the reverse complement: ZEB2 is on the minus strand). VCF-style (leftmost placement, unchanged base first): chr2-144389580-CA-C. GRCh37 (hg19) VCF-style: chr2-145147147-CA-C.
Other names: c.3443del, p.Met1148fs (NM_001171653.2); short protein forms M1148fs, M1172fs.
Identifiers: ClinVar variation 3382719 (VCV003382719.3).
Genomic context (GRCh38, chr2:144,389,580, plus strand): 5'-ATCGTCCATGGAGTGATCTCCAGTCTCTTCTTCATCTCGTATCGTTTCGGGATCCGTATC[CA>C]TACTTTTATTTTCACTTTCTTCCTCTTCCTCCTCGAACTCCTCGTCGCCATCCTGTCTGC-3'